The following is an entry in ClinVar:

NM_001256789.3(CACNA1F):c.3499C>G (p.Pro1167Ala)

Gene: CACNA1F (calcium voltage-gated channel subunit alpha1 F; minus strand). Cytogenetic location: Xp11.23.
Variant type: single nucleotide variant.
Coding change: c.3499C>G on transcript NM_001256789.3 (MANE Select); coding-DNA position 3499, C replaced by G.
Protein change: p.Pro1167Ala; replaces proline 1167 with alanine.
Molecular consequence: missense variant.
Genome position (GRCh38, 1-based): chrX:49,215,184, G>C on the plus strand (C>G on the coding strand, the complement: CACNA1F is on the minus strand). VCF-style: chrX-49215184-G-C. GRCh37 (hg19) VCF-style: chrX-49071644-G-C.
Other names: c.3337C>G, p.Pro1113Ala (NM_001256790.3); c.3532C>G, p.Pro1178Ala (NM_005183.4); short protein forms P1113A, P1167A, P1178A.
Identifiers: ClinVar variation 5000614 (VCV005000614.1).

ClinVar aggregate classification (germline): Uncertain significance (1 of 4 stars; one submission).

Conditions:
CACNA1F-related disorder. Also called: CACNA1F-related condition.

Submission:

PreventionGenetics, part of Exact Sciences
Classification: Uncertain significance for CACNA1F-related condition. Last evaluated: 2024-10-20. Review status: criteria provided, single submitter. Criteria: ACMG Guidelines, 2015. Collection method: clinical testing. Allele origin: germline.
Comment: The CACNA1F c.3532C>G variant is predicted to result in the amino acid substitution p.Pro1178Ala. To our knowledge, this variant has not been reported in the literature or in a large population database (gnomAD), indicating this variant is rare. At this time, the clinical significance of this variant is uncertain due to the absence of conclusive functional and genetic evidence.